The following is an entry in ClinVar:

NM_018100.4(EFHC1):c.364_369del (p.Ile122_Tyr123del)

Gene: EFHC1 (EF-hand domain containing 1; plus strand). Cytogenetic location: 6p12.2.
Variant type: Deletion.
Coding change: c.364_369del on transcript NM_018100.4 (MANE Select); coding-DNA positions 364 to 369, 6 bases deleted (ATTTAC; older notation c.364_369delATTTAC).
Protein change: p.Ile122_Tyr123del.
Molecular consequence: inframe deletion. On other transcripts: non-coding transcript variant (1).
Genome position (GRCh38, 1-based): chr6:52,438,382-52,438,387, ATTTAC deleted; deleting any 6 consecutive bases within chr6:52,438,380-52,438,387 gives the same sequence; the c. name uses the placement nearest the transcript's 3' end. VCF-style (leftmost placement, unchanged base first): chr6-52438379-AACATTT-A. GRCh37 (hg19) VCF-style: chr6-52303177-AACATTT-A.
Other names: c.307_312del, p.Ile103_Tyr104del (NM_001172420.2).
Identifiers: ClinVar variation 953266 (VCV000953266.11), dbSNP rs1764582038, ClinGen allele CA1139659627.

ClinVar aggregate classification (germline): Uncertain significance (1 of 4 stars; one submission).

Conditions:
Myoclonic epilepsy, juvenile, susceptibility to, 1. Also called: Myoclonic Epilepsy, Juvenile, 1; EJM1. Identifiers: MedGen C1850778, MONDO:0020752, OMIM 254770.
Absence seizure. Also called: Absence epilepsy. Identifiers: Orphanet 1941, MedGen C0014553.

Submission:

Labcorp Genetics (formerly Invitae), Labcorp
Classification: Uncertain significance for Myoclonic epilepsy, juvenile, susceptibility to, 1; Absence seizure. Last evaluated: 2019-07-31. Review status: criteria provided, single submitter. Criteria: Invitae Variant Classification Sherloc (09022015). Collection method: clinical testing. Allele origin: germline.
Comment: In summary, the available evidence is currently insufficient to determine the role of this variant in disease. Therefore, it has been classified as a Variant of Uncertain Significance. Experimental studies and prediction algorithms are not available or were not evaluated for this variant, and the functional significance of the affected amino acid(s) is currently unknown. This variant has not been reported in the literature in individuals with EFHC1-related conditions. This variant is not present in population databases (ExAC no frequency). This variant, c.364_369del, results in the deletion of 2 amino acid(s) of the EFHC1 protein (p.Ile122_Tyr123del), but otherwise preserves the integrity of the reading frame.